The following is an entry in ClinVar:

ClinVar aggregate classification (germline): Likely benign (1 of 4 stars; one submission).

Conditions:
Breast-ovarian cancer, familial, susceptibility to, 1 (BROVCA1). Also called: OVARIAN CANCER, SUSCEPTIBILITY TO; BRCA1 Hereditary Breast and Ovarian Cancer. Identifiers: Orphanet 145, MedGen C2676676, MONDO:0011450, OMIM 604370. Disease mechanism: loss of function.

gnomAD v4.1: 1 of 1,612,256 alleles (0.000062%); highest among the groups gnomAD compares: South Asian, 0.0011%; no homozygotes.

Submission:

Cancer Bioinformatics and Tumour Evolution Laboratory, Monash University
Classification: Likely benign for Breast-ovarian cancer, familial, susceptibility to, 1. Last evaluated: 2026-05-01. Review status: criteria provided, single submitter. Criteria: ClinGen BRCA1 and BRCA2 Guidelines, 2024. Collection method: curation. Allele origin: germline. Inheritance: Autosomal dominant inheritance.
Comment: Missense variant outside of a functional domain with no splice impact. BRCA1 and BRCA2 VCEP guidelines recommend application of BP1_Strong (PMID: 39142283)

NM_007294.4(BRCA1):c.4106C>T (p.Ala1369Val)

Gene: BRCA1 (BRCA1 DNA repair associated; minus strand). Cytogenetic location: 17q21.31.
Variant type: single nucleotide variant.
Coding change: c.4106C>T on transcript NM_007294.4 (MANE Select); coding-DNA position 4106, C replaced by T.
Protein change: p.Ala1369Val; replaces alanine 1369 with valine.
Molecular consequence: missense variant.
Genome position (GRCh38, 1-based): chr17:43,091,023, G>A on the plus strand (C>T on the coding strand, the complement: BRCA1 is on the minus strand). VCF-style: chr17-43091023-G-A. GRCh37 (hg19) VCF-style: chr17-41243040-G-A.
Other names: c.797C>T, p.Ala266Val (NM_001407976.1, NM_001407977.1, NM_001407978.1 and 17 more transcripts); c.794C>T, p.Ala265Val (NM_001407984.1, NM_001408399.1, NM_001408400.1 and 13 more transcripts); c.791C>T, p.Thr264Ile (NM_001408406.1); c.788C>T, p.Ala263Val (NM_001408408.1); c.680C>T, p.Ala227Val (NM_001408420.1, NM_001408422.1, NM_001408423.1 and 2 more transcripts); c.677C>T, p.Ala226Val (NM_001408421.1, NM_001408424.1, NM_001408431.1); c.674C>T, p.Ala225Val (NM_001408425.1, NM_001408426.1, NM_001408427.1 and 12 more transcripts); c.671C>T, p.Ala224Val (NM_001408445.1, NM_001408446.1, NM_001408447.1 and 6 more transcripts); and 41 more; short protein forms A1073V, A1201V, A1241V, A1242V, A1257V, A1258V, A1280V, A1281V.
Identifiers: ClinVar variation 4856544 (VCV004856544.1).